The following is an entry in ClinVar:

NM_000051.4(ATM):c.6015C>T (p.Leu2005=)

Genes: ATM (ATM serine/threonine kinase; plus strand), C11orf65 (chromosome 11 open reading frame 65; minus strand). Cytogenetic location: 11q22.3.
Variant type: single nucleotide variant.
Coding change: c.6015C>T on transcript NM_000051.4 (MANE Select); coding-DNA position 6015, C replaced by T.
Protein change: p.Leu2005=; no amino-acid change (leucine 2005 retained).
Molecular consequence: synonymous variant. On other transcripts: intron variant (2).
Genome position (GRCh38, 1-based): chr11:108,315,831, C>T. VCF-style: chr11-108315831-C-T. GRCh37 (hg19) VCF-style: chr11-108186558-C-T.
Other names: c.6015C>T, p.Leu2005= (NM_001351834.2); c.641-6760G>A (NM_001330368.2); c.*39-6760G>A (NM_001351110.2).
Identifiers: ClinVar variation 1156155 (VCV001156155.12), dbSNP rs1397821498, ClinGen allele CA476675576.

ClinVar aggregate classification (germline): Benign/Likely benign. Review status: criteria provided, multiple submitters, no conflicts (2 of 4 stars). 3 submissions from 3 submitters: Benign (1); Likely benign (2). Last evaluated 2024-05-30.

Conditions:
Familial cancer of breast. Also called: Hereditary breast cancer; hereditary breast carcinoma; BREAST CANCER, FAMILIAL. Identifiers: Orphanet 227535, MedGen C0346153, MONDO:0016419, OMIM 114480. Disease mechanism: loss of function.
Hereditary cancer-predisposing syndrome. Also called: Neoplastic Syndromes, Hereditary; Tumor predisposition; Hereditary Cancer Syndrome; Hereditary neoplastic syndrome. Identifiers: Orphanet 140162, MedGen C0027672, MeSH D009386, MONDO:0015356.
Ataxia-telangiectasia syndrome (AT). Also called: Ataxia telangiectasia (A-T); ATAXIA-TELANGIECTASIA, COMPLEMENTATION GROUP A; ATAXIA-TELANGIECTASIA, FRESNO VARIANT; Ataxia-telangiectasia; Ataxia-telangiectasia, complementation group E; LOUIS-BAR SYNDROME. Identifiers: Orphanet 100, MedGen C0004135, MONDO:0008840, OMIM 208900.

Allele frequency attached by ClinVar (database versions not stated): gnomAD 0.00001.
gnomAD v4.1: 1 of 1,611,416 alleles (0.000062%); highest among the groups gnomAD compares: African/African-American, 0.0013%; no homozygotes.

Submissions (3):

Myriad Genetics, Inc.
Classification: Benign for Familial cancer of breast. Last evaluated: 2024-05-30. Review status: criteria provided, single submitter. Criteria: Myriad Autosomal Dominant, Autosomal Recessive and X-Linked Classification Criteria (2023). Collection method: clinical testing. Allele origin: unknown.
Comment: This variant is considered benign. This variant is a silent/synonymous amino acid change and it is not expected to impact splicing.

Ambry Genetics
Classification: Likely benign for Hereditary cancer-predisposing syndrome. Last evaluated: 2022-01-18. Review status: criteria provided, single submitter. Criteria: Ambry Variant Classification Scheme 2023. Collection method: clinical testing. Allele origin: germline.

Labcorp Genetics (formerly Invitae), Labcorp
Classification: Likely benign for Ataxia-telangiectasia syndrome. Last evaluated: 2021-11-14. Review status: criteria provided, single submitter. Criteria: Invitae Variant Classification Sherloc (09022015). Collection method: clinical testing. Allele origin: germline.